The following is an entry in ClinVar:

ClinVar aggregate classification (germline): Pathogenic. Review status: criteria provided, multiple submitters, no conflicts (2 of 4 stars). 10 submissions from 10 submitters: Pathogenic (9). 1 of the submissions does not count toward it. Last evaluated 2025-12-10.

Conditions:
Lowry-Wood syndrome (LWS). Identifiers: Orphanet 1824, MedGen C0796021, MONDO:0009191, OMIM 226960.
Roifman syndrome (RFMN). Also called: SPONDYLOEPIPHYSEAL DYSPLASIA, RETINAL DYSTROPHY, AND ANTIBODY DEFICIENCY. Identifiers: Orphanet 353298, MedGen C1846059, MONDO:0014722, OMIM 616651.
Osteodysplastic primordial dwarfism, type 1 (MOPD1). Also called: MOPD I; Microcephalic Osteodysplastic Primordial Dwarfism Type I/III (MOPDI) / Taybi-Linder Syndrome; Microcephalic Osteodysplastic Primordial Dwarfism, Type I; MOPD, SICILIAN FAIRY TYPE; BRACHYMELIC PRIMORDIAL DWARFISM; MICROCEPHALIC OSTEODYSPLASTIC PRIMORDIAL DWARFISM, TYPE III. Identifiers: Orphanet 2636, MedGen C1859452, MONDO:0008871, OMIM 210710.
Autosomal recessive RNU4ATAC-related disorders.
RNU4ATAC spectrum disorder. Also called: RNU4atac-opathy. Identifiers: MedGen CN377746, MONDO:0100558.
RNU4ATAC-related disorder. Also called: RNU4ATAC-related condition.

Allele frequency attached by ClinVar (database versions not stated): 1000 Genomes Project 30x 0.00016; 1000 Genomes Project 0.00020; ExAC 0.00009; TOPMed 0.00011.
gnomAD v4.1: 62 of 700,406 alleles (0.0089%); highest among the groups gnomAD compares: Middle Eastern, 0.037%; no homozygotes.

Submissions (10):

Labcorp Genetics (formerly Invitae), Labcorp
Classification: Pathogenic. Last evaluated: 2025-12-10. Review status: criteria provided, single submitter. Criteria: Invitae Variant Classification Sherloc (09022015). Collection method: clinical testing. Allele origin: germline.
Comment: This variant occurs in the RNU4ATAC gene, which encodes an RNA molecule that does not result in a protein product. This variant is present in population databases (rs575472572, gnomAD 0.02%). This variant has been observed in individuals with microcephalic osteodysplastic primordial dwarfism or clinical features of RNU4ATAC-related conditions (PMID: 21474760, 23794361, 27040866, 30214071). It has also been observed to segregate with disease in related individuals. ClinVar contains an entry for this variant (Variation ID: 30179). Functional studies have shown that this variant disrupts ncRNA function (PMID: 32628740, 21474760). This variant is located within the 5' stem-loop region of the RNU4ATAC RNA, which includes the 15.5K binding site and is important for spliceosome assembly (PMID: 32628740). A significant number of disease-associated RNU4ATAC variants are found in this region (PMID: 32628740, 30368667). For these reasons, this variant has been classified as Pathogenic.

Variantyx, Inc.
Classification: Pathogenic for Autosomal recessive RNU4ATAC-related disorders. Last evaluated: 2025-10-07. Review status: criteria provided, single submitter. Criteria: Variantyx Assertion Criteria 2022. Collection method: clinical testing. Allele origin: germline. Inheritance: Autosomal recessive inheritance.
Comment: This is a substitution variant in the non-protein-coding RNU4ATAC gene (OMIM: 601428). Pathogenic variants in this gene, which encodes a small nuclear RNA component of the U12-dependent spliceosome, have been associated with autosomal recessive RNU4ATAC-related disorders. This variant lies within a known hotspot for pathogenic variants and a well-established critical functional domain of the RNU4ATAC non-coding RNA (PMID: 36795902, 32628740, 36622817) (PM1_Strong), and functional studies have shown that this variant alters RNU4ATAC transcript function (PMID: 32628740, 21474760) (PS3). This variant has a 0.0119% maximum allele frequency in non-founder control populations (PM2_Supporting). Based on the current evidence, this variant is classified as pathogenic for autosomal recessive RNU4ATAC-related disorders.

Broad Center for Mendelian Genomics, Broad Institute of MIT and Harvard
Classification: Pathogenic for RNU4ATAC spectrum disorder. Last evaluated: 2025-08-15. Review status: criteria provided, single submitter. Criteria: Ellingford et al. (Genome Med. 2022). Collection method: curation. Allele origin: germline. Inheritance: Autosomal recessive inheritance.
Comment: The n.55G>A variant in RNU4ATAC was identified by our study, in the compound heterozygous or homozygous state, in eleven individuals with RNU4ATAC spectrum disorder. The variant has been reported in the literature in multiple individuals with RNU4ATAC spectrum disorder (PMID: 21474760, 27040866, 23794361, 33059947), segregated with disease in 2 affected relatives from one family (PMID: 23794361), and has been identified in 0.01% (8/67506) South Asian chromosomes by the Genome Aggregation Database (gnomAD; dbSNP rs575472572). Although this variant has been seen in the general population in a heterozygous state, its frequency is not high enough to rule out a pathogenic role. This variant has also been reported in ClinVar (VCV000030179.13) and has been interpreted as pathogenic by multiple submitters. Of the many affected individuals, at least one was a compound heterozygote that carried a reported pathogenic variant in trans and at least two were homozygotes, which increases the likelihood that the n.55G>A variant is pathogenic (VCV000030178.40; PMID:27040866). RNAseq analysis performed on affected tissue shows a signature of significant minor intron retention. In vitro functional studies provide some evidence that the n.55G>A variant will impact splicing efficiency (PMID: 32628740). A zebrafish model with this variant recapitulated aspects of the RNU4ATAC spectrum disorder phenotype (PMID: 36802443). However, these types of assays may not accurately represent biological function. The n.55G>A variant is located in the 5' stem loop region of RNU4ATAC where several other variants have been identified, suggesting that this variant is in a functional domain and supports pathogenicity (PMID: 26522830, 32628740). In summary, this variant meets criteria to be classified as pathogenic for autosomal recessive RNU4ATAC spectrum disorder. ACMG/AMP Criteria applied: PS3, PM1, PM3_strong (Richards 2015).

3billion
Classification: Pathogenic for Osteodysplastic primordial dwarfism, type 1. Last evaluated: 2024-11-26. Review status: criteria provided, single submitter. Criteria: ACMG Guidelines, 2015. Collection method: clinical testing. Allele origin: germline. Affected: yes.
Comment: The variant is observed at an extremely low frequency in the gnomAD v4.1.0 dataset (total allele frequency: 0.009%). Predicted Consequence/Location: non_coding_transcript_exon_variant Functional studies provide strong evidence of the variant having a damaging effect on the gene or gene product (PMID: 21474760). The variant has been reported to be in trans with a pathogenic variant as either compound heterozygous or homozygous in at least 2 similarly affected unrelated individuals (PMID: 21474760, 23794361, 27040866). The variant has been reported at least twice as pathogenic with clinical assertions and evidence for the classification (ClinVar ID: VCV000030179 /PMID: 21474760). Therefore, this variant is classified as Pathogenic according to the recommendation of ACMG/AMP guideline.

Blueprint Genetics
Classification: Pathogenic for RNU4ATAC-related disorders. Last evaluated: 2024-10-10. Review status: criteria provided, single submitter. Criteria: ACMG Guidelines, 2015. Collection method: clinical testing. Allele origin: germline. Affected: yes. Observed: 5 variant alleles.

Fulgent Genetics
Classification: Pathogenic for Osteodysplastic primordial dwarfism, type 1; Lowry-Wood syndrome; Roifman syndrome. Last evaluated: 2022-04-22. Review status: criteria provided, single submitter. Criteria: ACMG Guidelines, 2015. Collection method: clinical testing. Allele origin: unknown.

Victorian Clinical Genetics Services, Murdoch Childrens Research Institute
Classification: Pathogenic for Osteodysplastic primordial dwarfism, type 1. Last evaluated: 2020-06-11. Review status: criteria provided, single submitter. Criteria: ACMG Guidelines, 2015. Collection method: clinical testing. Allele origin: germline. Inheritance: Autosomal recessive inheritance. Affected: yes.
Comment: Based on the classification scheme VCGS_Germline_v1.1.1, this variant is classified as Pathogenic. Following criteria are met: 0102 - Loss-of-function is a known mechanism of disease for this gene. (N) 0106 - This gene is known to be associated with autosomal recessive disease. (N) 0217 - Non-coding variant predicted to affect gene expression of downstream targets. This small nuclear RNA forms part of a spliceosome essential for minor intron splicing (PMID: 26522830). (N) 0252 - Variant is homozygous. (N) 0304 - Variant is present in gnomAD <0.01 for a recessive condition (9 heterozygotes, 0 homozygotes). (P) 0309 - An alternative nucleotide change at the same position has been observed in gnomAD (1 heterozygote, 0 homozygtoes). (N) 0600 - Variant is located in an annotated structure. The variant is in the 5’ stem loop structure (PMID: 12409455, 21474760, 26522830). (N) 0705 - No comparable variants have previous evidence for pathogenicity. (N) 0801 - Strong previous evidence of pathogenicity in unrelated individuals. This variant has been identified in 6 unrelated patients with microcephalic osteodysplastic primordial dwarfism, both as homozygotes and compound heterozygote (PMID: 21474760, 21990275, 22581640, 23794361, 26419500, 27040866) (P) 1002 - Moderate functional evidence supporting abnormal protein function. In vitro assays demonstrated reduced splicing activities with this variant (PMID: 21474760). (P) 1101 - Very strong and specific phenotype match. (N) Legend: (P) - Pathogenic, (N) - Neutral, (B) - Benign

New York Genome Center
Classification: Pathogenic for Roifman syndrome; Osteodysplastic primordial dwarfism, type 1; Lowry-Wood syndrome. Last evaluated: 2019-05-24. Review status: criteria provided, single submitter. Criteria: NYGC Assertion Criteria 2020. Collection method: clinical testing. Allele origin: inherited. Affected: yes. Observed: 1 compound heterozygote. Study: CSER-NYCKidSeq.
Comment: The NR_023343.1:n.55G>A a non coding transcript variant has been observed in the homozygous state or as a compound heterozygous, in trans with another disease-causing variantin association with autosomal recessivemicrocephalic osteodysplastic primordial dwarfism type 1 (MOPD) [MIM#210710][PMID: 27040866; PMID:23794361; PMID: 21474760]. The variant has 0.006% allele frequency in the gnomAD database (9 out of 130,516 heterozygous alleles) indicating this is a rare variant. Based on the available evidence, the variant n.55G>Ais classified as Pathogenic

Department of Medical Genetics, Sanjay Gandhi Post Graduate Institute of Medical Sciences
Classification: Pathogenic for Osteodysplastic primordial dwarfism, type 1. Review status: criteria provided, single submitter. Criteria: ACMG Guidelines, 2015. Collection method: research. Allele origin: germline. Inheritance: Autosomal recessive inheritance. Affected: yes. Observed: 1 compound heterozygote.

OMIM
Classification: Pathogenic for MICROCEPHALIC OSTEODYSPLASTIC PRIMORDIAL DWARFISM, TYPE I. Last evaluated: 2012-06-01. Review status: no assertion criteria provided. Collection method: literature only. Allele origin: germline. Not counted in ClinVar's aggregate classification.

Literature cited by the submitters: PubMed 21474760 (cited by 6 submitters); PubMed 23794361 (cited by 5 submitters); PubMed 27040866 (cited by 5 submitters); PubMed 30214071 (cited by Labcorp Genetics (formerly Invitae), Labcorp and Variantyx, Inc.); PubMed 32628740 (cited by 3 submitters); PubMed 30368667 (cited by Labcorp Genetics (formerly Invitae), Labcorp); PubMed 36802443 (cited by Broad Center for Mendelian Genomics, Broad Institute of MIT and Harvard); PubMed 12409455 (cited by Victorian Clinical Genetics Services, Murdoch Childrens Research Institute); PubMed 21990275 (cited by Victorian Clinical Genetics Services, Murdoch Childrens Research Institute); PubMed 22581640 (cited by Victorian Clinical Genetics Services, Murdoch Childrens Research Institute and OMIM); PubMed 26419500 (cited by Victorian Clinical Genetics Services, Murdoch Childrens Research Institute); PubMed 26522830 (cited by Victorian Clinical Genetics Services, Murdoch Childrens Research Institute); PubMed 41864208 (cited by OMIM).

NR_023343.3(RNU4ATAC):n.55G>A

Genes: CLASP1 (cytoplasmic linker associated protein 1; minus strand), CLASP1-AS1 (CLASP1 antisense RNA 1; plus strand), RNU4ATAC (RNA, U4atac small nuclear; plus strand). Cytogenetic location: 2q14.2.
Variant type: single nucleotide variant.
Molecular consequence: intron variant (on NM_001395891.1).
Genome position: GRCh38 VCF-style: chr2-121530934-G-A. GRCh37 (hg19) VCF-style: chr2-122288510-G-A.
Other names: 55G-A; c.196-609C>T (NM_001378003.1, NM_001395891.1, NM_001378004.1 and 5 more transcripts).
Identifiers: ClinVar variation 30179 (VCV000030179.18), dbSNP rs575472572, ClinGen allele CA129001.
Genomic context (GRCh38, chr2:121,530,934, plus strand): 5'-TATTATAACCATCCTTTTCTTGGGGTTGCGCTACTGTCCAATGAGCGCATAGTGAGGGCA[G>A]TACTGCTAACGCCTGAACAACACACCCGCATCAACTAGAGCTTTTGCTTTATTTTGGTGC-3'